The following is an entry in ClinVar:

ClinVar aggregate classification (germline): Likely benign. Review status: criteria provided, single submitter (1 of 4 stars). 2 submissions from 2 submitters: Likely benign (1). 1 of the submissions does not count toward it. Last evaluated 2025-12-22.

Conditions:
SLC12A6-related disorder. Also called: SLC12A6-related condition.

Allele frequency attached by ClinVar (database versions not stated): ExAC 0.00001; gnomAD exomes 0.00001 and 0.00002; TOPMed 0.00001.
gnomAD v4.1: 22 of 1,613,960 alleles (0.0014%); highest among the groups gnomAD compares: Non-Finnish European, 0.0018%; no homozygotes.

Submissions (2):

Labcorp Genetics (formerly Invitae), Labcorp
Classification: Likely benign. Last evaluated: 2025-12-22. Review status: criteria provided, single submitter. Criteria: Invitae Variant Classification Sherloc (09022015). Collection method: clinical testing. Allele origin: germline.

PreventionGenetics, part of Exact Sciences
Classification: Likely benign for SLC12A6-related condition. Last evaluated: 2022-01-06. Review status: no assertion criteria provided. Collection method: clinical testing. Allele origin: germline. Not counted in ClinVar's aggregate classification.
Comment: This variant is classified as likely benign based on ACMG/AMP sequence variant interpretation guidelines (Richards et al. 2015 PMID: 25741868, with internal and published modifications).

NM_001365088.1(SLC12A6):c.2667A>G (p.Ala889=)

Gene: SLC12A6 (solute carrier family 12 member 6; minus strand). Cytogenetic location: 15q14.
Variant type: single nucleotide variant.
Coding change: c.2667A>G on transcript NM_001365088.1 (MANE Select); coding-DNA position 2667, A replaced by G.
Protein change: p.Ala889=; no amino-acid change (alanine 889 retained).
Molecular consequence: synonymous variant.
Genome position (GRCh38, 1-based): chr15:34,238,367, T>C on the plus strand (A>G on the coding strand, the complement: SLC12A6 is on the minus strand). VCF-style: chr15-34238367-T-C. GRCh37 (hg19) VCF-style: chr15-34530568-T-C.
Other names: c.2490A>G, p.Ala830= (NM_001042494.2, NM_001042495.2); c.2640A>G, p.Ala880= (NM_001042496.2); c.2622A>G, p.Ala874= (NM_001042497.2); c.2514A>G, p.Ala838= (NM_005135.2); c.2667A>G, p.Ala889= (NM_133647.2).
Identifiers: ClinVar variation 762390 (VCV000762390.10), dbSNP rs774250539, ClinGen allele CA7464029.
Genomic context (GRCh38, chr15:34,238,367, plus strand): 5'-GCCCTCAGAAAATTGCTCCACATTGCTGGGAAAGAAGGAGATGTTTTTAGCCACCAGCAG[T>C]GCAAGATGGGCAGCAGTTGTCACTCGAACTGTGCCTAGGGAGAAAAAAGAATAAGCAGAG-3'
Protein context (NP_001352017.1, residues 879-899): TVRVTTAAHL[Ala889=]LLVAKNISFF